The following is an entry in ClinVar:

ClinVar aggregate classification (germline): Uncertain significance (1 of 4 stars; one submission).

Conditions:
Isolated microphthalmia 5. Also called: Posterior Microphthalmia with Retinitis Pigmentosa, Foveoschisis, and Optic Disc Drusen. Identifiers: Orphanet 251279, MedGen C1970236, MONDO:0012605, OMIM 611040.

Allele frequency attached by ClinVar (database versions not stated): gnomAD exomes below 0.00001.
gnomAD v4.1: 4 of 1,614,050 alleles (0.00025%); highest among the groups gnomAD compares: Non-Finnish European, 0.00034%; no homozygotes.

Submission:

Labcorp Genetics (formerly Invitae), Labcorp
Classification: Uncertain significance for Isolated microphthalmia 5. Last evaluated: 2019-10-13. Review status: criteria provided, single submitter. Criteria: Invitae Variant Classification Sherloc (09022015). Collection method: clinical testing. Allele origin: germline.
Comment: Algorithms developed to predict the effect of missense changes on protein structure and function (SIFT, PolyPhen-2, Align-GVGD) all suggest that this variant is likely to be tolerated, but these predictions have not been confirmed by published functional studies and their clinical significance is uncertain. In summary, the available evidence is currently insufficient to determine the role of this variant in disease. Therefore, it has been classified as a Variant of Uncertain Significance. This variant has not been reported in the literature in individuals with MFRP-related conditions. This variant is not present in population databases (ExAC no frequency). This sequence change replaces valine with methionine at codon 489 of the MFRP protein (p.Val489Met). The valine residue is highly conserved and there is a small physicochemical difference between valine and methionine.

NM_031433.4(MFRP):c.1465G>A (p.Val489Met)

Genes: C1QTNF5 (C1q and TNF related 5; minus strand), MFRP (membrane frizzled-related protein; minus strand). Cytogenetic location: 11q23.3.
Variant type: single nucleotide variant.
Coding change: c.1465G>A on transcript NM_031433.4 (MANE Select); coding-DNA position 1465, G replaced by A.
Protein change: p.Val489Met; replaces valine 489 with methionine.
Molecular consequence: missense variant. On other transcripts: 5 prime UTR variant (1).
Genome position (GRCh38, 1-based): chr11:119,341,907, C>T on the plus strand (G>A on the coding strand, the complement: MFRP is on the minus strand). VCF-style: chr11-119341907-C-T. GRCh37 (hg19) VCF-style: chr11-119212617-C-T.
Other names: c.-1172G>A (NM_015645.5); short protein forms V489M.
Identifiers: ClinVar variation 970946 (VCV000970946.10), dbSNP rs1950506856, ClinGen allele CA382972457.